The following is an entry in ClinVar:

ClinVar aggregate classification (germline): Uncertain significance (1 of 4 stars; one submission).

Conditions:
Hereditary spastic paraplegia 30. Identifiers: Orphanet 101010, MedGen C5235139, MONDO:0012476.
Neuropathy, hereditary sensory, type 2C. Also called: Hereditary sensory and autonomic neuropathy type IIC; KIF1A-Related HSAN2 (HSAN2C). Identifiers: Orphanet 970, MedGen C3280168, MONDO:0013634, OMIM 614213.
Intellectual disability, autosomal dominant 9 (NESCAVS). Also called: NESCAV SYNDROME; KIF1A-Related Neurodevelopmental Disorder. Identifiers: Orphanet 662367, MedGen C5393830, MONDO:0013656, OMIM 614255.

Submission:

Labcorp Genetics (formerly Invitae), Labcorp
Classification: Uncertain significance for Hereditary spastic paraplegia 30; Neuropathy, hereditary sensory, type 2C; Intellectual disability, autosomal dominant 9. Last evaluated: 2022-11-14. Review status: criteria provided, single submitter. Criteria: Invitae Variant Classification Sherloc (09022015). Collection method: clinical testing. Allele origin: germline.
Comment: This sequence change replaces glutamic acid, which is acidic and polar, with lysine, which is basic and polar, at codon 441 of the KIF1A protein (p.Glu441Lys). This variant is not present in population databases (gnomAD no frequency). This variant has not been reported in the literature in individuals affected with KIF1A-related conditions. Advanced modeling of protein sequence and biophysical properties (such as structural, functional, and spatial information, amino acid conservation, physicochemical variation, residue mobility, and thermodynamic stability) performed at Invitae indicates that this missense variant is expected to disrupt KIF1A protein function. In summary, the available evidence is currently insufficient to determine the role of this variant in disease. Therefore, it has been classified as a Variant of Uncertain Significance.

NM_001244008.2(KIF1A):c.1348G>A (p.Glu450Lys)

Gene: KIF1A (kinesin family member 1A; minus strand). Cytogenetic location: 2q37.3.
Variant type: single nucleotide variant.
Coding change: c.1348G>A on transcript NM_001244008.2 (MANE Select); coding-DNA position 1348, G replaced by A.
Protein change: p.Glu450Lys; replaces glutamic acid 450 with lysine.
Molecular consequence: missense variant.
Genome position (GRCh38, 1-based): chr2:240,769,700, C>T on the plus strand (G>A on the coding strand, the complement: KIF1A is on the minus strand). VCF-style: chr2-240769700-C-T. GRCh37 (hg19) VCF-style: chr2-241709117-C-T.
Other names: c.1348G>A, p.Glu450Lys (NM_001320705.2, NM_001330289.2, NM_001379638.1); c.1423G>A, p.Glu475Lys (NM_001330290.2, NM_001379631.1, NM_001379634.1 and 2 more transcripts); c.1321G>A, p.Glu441Lys (NM_001379632.1, NM_001379633.1, NM_001379636.1 and 11 more transcripts); c.1396G>A, p.Glu466Lys (NM_001379637.1, NM_001379648.1); short protein forms E441K, E450K, E466K, E475K.
Identifiers: ClinVar variation 1721758 (VCV001721758.6), dbSNP rs2537835213, ClinGen allele CA351329985.